The following is an entry in ClinVar:

NM_002582.4(PARN):c.591C>T (p.Asn197=)

Gene: PARN (poly(A)-specific ribonuclease; minus strand). Cytogenetic location: 16p13.12.
Variant type: single nucleotide variant.
Coding change: c.591C>T on transcript NM_002582.4 (MANE Select); coding-DNA position 591, C replaced by T.
Protein change: p.Asn197=; no amino-acid change (asparagine 197 retained).
Molecular consequence: synonymous variant.
Genome position (GRCh38, 1-based): chr16:14,609,087, G>A on the plus strand (C>T on the coding strand, the complement: PARN is on the minus strand). VCF-style: chr16-14609087-G-A. GRCh37 (hg19) VCF-style: chr16-14702944-G-A.
Other names: c.408C>T, p.Asn136= (NM_001134477.3); c.453C>T, p.Asn151= (NM_001242992.2).
Identifiers: ClinVar variation 2938863 (VCV002938863.3), dbSNP rs1404784477, ClinGen allele CA493436257.

ClinVar aggregate classification (germline): Uncertain significance (1 of 4 stars; one submission).

Conditions:
Dyskeratosis congenita, autosomal recessive 6 (DKCB6). Identifiers: MedGen C4225356, MONDO:0014600, OMIM 616353.
Pulmonary fibrosis and/or bone marrow failure, Telomere-related, 4. Also called: PULMONARY FIBROSIS AND/OR BONE MARROW FAILURE SYNDROME, TELOMERE-RELATED, 4. Identifiers: Orphanet 2032, MedGen C4225347, MONDO:0014612, OMIM 616371.

Submission:

Labcorp Genetics (formerly Invitae), Labcorp
Classification: Uncertain significance for Dyskeratosis congenita, autosomal recessive 6; Pulmonary fibrosis and/or bone marrow failure, Telomere-related, 4. Last evaluated: 2023-11-25. Review status: criteria provided, single submitter. Criteria: Invitae Variant Classification Sherloc (09022015). Collection method: clinical testing. Allele origin: germline.
Comment: This sequence change affects codon 197 of the PARN mRNA. It is a 'silent' change, meaning that it does not change the encoded amino acid sequence of the PARN protein. This variant is not present in population databases (gnomAD no frequency). This variant has not been reported in the literature in individuals affected with PARN-related conditions. Algorithms developed to predict the effect of sequence changes on RNA splicing suggest that this variant may disrupt the consensus splice site. In summary, the available evidence is currently insufficient to determine the role of this variant in disease. Therefore, it has been classified as a Variant of Uncertain Significance.